The following is an entry in ClinVar:

NM_003611.3(OFD1):c.659A>G (p.Lys220Arg)

Gene: OFD1 (OFD1 centriole and centriolar satellite protein; plus strand). Cytogenetic location: Xp22.2.
Variant type: single nucleotide variant.
Coding change: c.659A>G on transcript NM_003611.3 (MANE Select); coding-DNA position 659, A replaced by G.
Protein change: p.Lys220Arg; replaces lysine 220 with arginine.
Molecular consequence: missense variant.
Genome position (GRCh38, 1-based): chrX:13,746,784, A>G. VCF-style: chrX-13746784-A-G. GRCh37 (hg19) VCF-style: chrX-13764903-A-G.
Other names: c.659A>G, p.Lys220Arg (NM_001330209.2, NM_001440947.1, NM_001440948.1); c.239A>G, p.Lys80Arg (NM_001330210.2); short protein forms K220R, K80R.
Identifiers: ClinVar variation 4844142 (VCV004844142.1).

ClinVar aggregate classification (germline): Uncertain significance (1 of 4 stars; one submission).

Conditions:
Primary ciliary dyskinesia. Also called: Ciliary dyskinesia. Identifiers: Orphanet 244, MedGen C0008780, MONDO:0016575, HP:0012265.

gnomAD v4.1: 8 of 1,192,889 alleles (0.00067%); highest among the groups gnomAD compares: Non-Finnish European, 0.00079%; no homozygotes.

Submission:

Ambry Genetics
Classification: Uncertain significance for Primary ciliary dyskinesia. Last evaluated: 2026-02-19. Review status: criteria provided, single submitter. Criteria: Ambry Variant Classification Scheme 2023. Collection method: clinical testing. Allele origin: germline.
Comment: The p.K220R variant (also known as c.659A>G), located in coding exon 8 of the OFD1 gene, results from an A to G substitution at nucleotide position 659. The lysine at codon 220 is replaced by arginine, an amino acid with highly similar properties. This amino acid position is conserved. In addition, this alteration is predicted to be tolerated by in silico analysis. Based on the available evidence, the clinical significance of this variant remains unclear.